The following is an entry in ClinVar:

NM_152327.5(AK7):c.1123C>T (p.Pro375Ser)

Gene: AK7 (adenylate kinase 7; plus strand). Cytogenetic location: 14q32.2.
Variant type: single nucleotide variant.
Coding change: c.1123C>T on transcript NM_152327.5 (MANE Select); coding-DNA position 1123, C replaced by T.
Protein change: p.Pro375Ser; replaces proline 375 with serine.
Molecular consequence: missense variant.
Genome position (GRCh38, 1-based): chr14:96,456,371, C>T. VCF-style: chr14-96456371-C-T. GRCh37 (hg19) VCF-style: chr14-96922708-C-T.
Other names: c.1123C>T, p.Pro375Ser (NM_001350888.2, NM_001350890.2, NM_001350892.2); c.1045C>T, p.Pro349Ser (NM_001350891.2); short protein forms P375S, P349S.
Identifiers: ClinVar variation 1389378 (VCV001389378.8), dbSNP rs1234378217, ClinGen allele CA390915520.

ClinVar aggregate classification (germline): Uncertain significance (1 of 4 stars; one submission).

Allele frequency attached by ClinVar (database versions not stated): gnomAD exomes below 0.00001 and 0.00003; gnomAD 0.00001; TOPMed 0.00001.
gnomAD v4.1: 7 of 1,613,452 alleles (0.00043%); highest among the groups gnomAD compares: Admixed American, 0.012%; no homozygotes.

Submission:

Labcorp Genetics (formerly Invitae), Labcorp
Classification: Uncertain significance. Last evaluated: 2021-07-06. Review status: criteria provided, single submitter. Criteria: Invitae Variant Classification Sherloc (09022015). Collection method: clinical testing. Allele origin: germline.
Comment: This sequence change replaces proline with serine at codon 375 of the AK7 protein (p.Pro375Ser). The proline residue is highly conserved and there is a moderate physicochemical difference between proline and serine. This variant is not present in population databases (ExAC no frequency). This variant has not been reported in the literature in individuals affected with AK7-related conditions. Algorithms developed to predict the effect of missense changes on protein structure and function (SIFT, PolyPhen-2, Align-GVGD) all suggest that this variant is likely to be disruptive. In summary, the available evidence is currently insufficient to determine the role of this variant in disease. Therefore, it has been classified as a Variant of Uncertain Significance.